The following is an entry in ClinVar:

NM_001348716.2(KDM6B):c.885G>A (p.Lys295=)

Gene: KDM6B (lysine demethylase 6B; plus strand). Cytogenetic location: 17p13.1.
Variant type: single nucleotide variant.
Coding change: c.885G>A on transcript NM_001348716.2 (MANE Select); coding-DNA position 885, G replaced by A.
Protein change: p.Lys295=; no amino-acid change (lysine 295 retained).
Molecular consequence: synonymous variant.
Genome position (GRCh38, 1-based): chr17:7,846,992, G>A. VCF-style: chr17-7846992-G-A. GRCh37 (hg19) VCF-style: chr17-7750310-G-A.
Other names: c.885G>A, p.Lys295= (NM_001080424.2).
Identifiers: ClinVar variation 2647392 (VCV002647392.24), dbSNP rs201808892, ClinGen allele CA8360406.

ClinVar aggregate classification (germline): Likely benign (1 of 4 stars; one submission).

Allele frequency attached by ClinVar (database versions not stated): TOPMed 0.00004; gnomAD 0.00014; ESP Exome Variant Server 0.00015; ExAC 0.00043; 1000 Genomes Project 30x 0.00047; 1000 Genomes Project 0.00060.
gnomAD v4.1: 327 of 1,613,382 alleles (0.02%); highest among the groups gnomAD compares: South Asian, 0.27%; 4 homozygotes.

Submission:

CeGaT Center for Human Genetics Tuebingen
Classification: Likely benign. Last evaluated: 2026-08-01. Review status: criteria provided, single submitter. Criteria: CeGaT Center For Human Genetics Tuebingen Variant Classification Criteria Version 2. Collection method: clinical testing. Allele origin: germline. Affected: yes. Observed: 5 variant alleles.
Comment: KDM6B: BP4, BS1